The following is an entry in ClinVar:

ClinVar aggregate classification (germline): Conflicting classifications of pathogenicity. Review status: criteria provided, conflicting classifications (1 of 4 stars). 3 submissions from 3 submitters: Likely pathogenic (1); Uncertain significance (2). Last evaluated 2025-07-28.

Conditions:
Familial cancer of breast. Also called: Hereditary breast cancer; BREAST CANCER, FAMILIAL; hereditary breast carcinoma. Identifiers: Orphanet 227535, MedGen C0346153, MONDO:0016419, OMIM 114480. Disease mechanism: loss of function.
Hereditary cancer-predisposing syndrome. Also called: Hereditary Cancer Syndrome; Neoplastic Syndromes, Hereditary; Tumor predisposition; Hereditary neoplastic syndrome. Identifiers: Orphanet 140162, MedGen C0027672, MeSH D009386, MONDO:0015356.

Submissions (3):

Labcorp Genetics (formerly Invitae), Labcorp
Classification: Uncertain significance for Familial cancer of breast. Last evaluated: 2025-07-28. Review status: criteria provided, single submitter. Criteria: Invitae Variant Classification Sherloc (09022015). Collection method: clinical testing. Allele origin: germline.
Comment: This sequence change affects the initiator codon of the CHEK2 mRNA. This change may impact translation initiation or efficiency. The next in-frame methionine is located at codon 46. This variant is not present in population databases (gnomAD no frequency). This variant has not been reported in the literature in individuals affected with CHEK2-related conditions. ClinVar contains an entry for this variant (Variation ID: 1023013). Experimental studies and prediction algorithms are not available or were not evaluated, and the functional significance of this variant is currently unknown. In summary, the available evidence is currently insufficient to determine the role of this variant in disease. Therefore, it has been classified as a Variant of Uncertain Significance.

Ambry Genetics
Classification: Uncertain significance for Hereditary cancer-predisposing syndrome. Last evaluated: 2024-12-12. Review status: criteria provided, single submitter. Criteria: Ambry Variant Classification Scheme 2023. Collection method: clinical testing. Allele origin: germline.
Comment: The p.M1? variant (also known as c.1A>T) is located in coding exon 1 of the CHEK2 gene and results from a A to T substitution at nucleotide position 1. This alters the methionine residue at the initiation codon (ATG). Variations that modify the initiation codon (ATG) are expected to result in either loss of translation initiation, N-terminal truncation, or cause a shift in the mRNA reading frame; however, there is an in-frame methionine 46 amino acids from the initiation site, which may result in N-terminal truncation of unknown functional significance. Since supporting evidence is limited at this time, the clinical significance of this alteration remains unclear.

Myriad Genetics, Inc.
Classification: Likely pathogenic for Familial cancer of breast. Last evaluated: 2023-06-22. Review status: criteria provided, single submitter. Criteria: Myriad Autosomal Dominant, Autosomal Recessive and X-Linked Classification Criteria (2023). Collection method: clinical testing. Allele origin: unknown.
Comment: This variant is considered likely pathogenic. This variant is located within the gene translation start codon (p.Met1?) and is predicted to result in abnormal protein translation.

NM_007194.4(CHEK2):c.1A>T (p.Met1Leu)

Gene: CHEK2 (checkpoint kinase 2; minus strand). Cytogenetic location: 22q12.1.
Variant type: single nucleotide variant.
Coding change: c.1A>T on transcript NM_007194.4 (MANE Select); coding-DNA position 1, A replaced by T.
Protein change: p.Met1Leu; changes the start codon (methionine 1).
Molecular consequence: missense variant, initiator codon variant.
Genome position (GRCh38, 1-based): chr22:28,734,721, T>A on the plus strand (A>T on the coding strand, the complement: CHEK2 is on the minus strand). VCF-style: chr22-28734721-T-A. GRCh37 (hg19) VCF-style: chr22-29130709-T-A.
Other names: c.1A>T, p.Met1Leu (NM_001005735.3, NM_001349956.3, NM_145862.3); c.-777A>T (NM_001257387.3); short protein forms M1L.
Identifiers: ClinVar variation 1023013 (VCV001023013.13), dbSNP rs863224748, ClinGen allele CA411092191.